The following is an entry in ClinVar:

ClinVar aggregate classification (germline): Pathogenic (1 of 4 stars; one submission).

Conditions:
Ellis-van Creveld syndrome (EVC). Also called: Chondroectodermal dysplasia; EVC-Related Ellis-van Creveld Syndrome; EVC2-Related Ellis-van Creveld Syndrome; MESOECTODERMAL DYSPLASIA. Identifiers: Orphanet 289, MedGen C0013903, MONDO:0009162, OMIM 225500.
Curry-Hall syndrome (WAD). Also called: WEYERS ACRODENTAL DYSOSTOSIS. Identifiers: Orphanet 952, MedGen C0457013, MONDO:0008673, OMIM 193530.

Submission:

Labcorp Genetics (formerly Invitae), Labcorp
Classification: Pathogenic for Curry-Hall syndrome; Ellis-van Creveld syndrome. Last evaluated: 2021-02-15. Review status: criteria provided, single submitter. Criteria: Invitae Variant Classification Sherloc (09022015). Collection method: clinical testing. Allele origin: germline.
Comment: This sequence change creates a premature translational stop signal (p.Glu1020Serfs*39) in the EVC2 gene. It is expected to result in an absent or disrupted protein product. Loss-of-function variants in EVC2 are known to be pathogenic (PMID: 17024374, 19810119, 19876929). This variant is present in population databases (rs772639262, ExAC 0.008%). This variant has not been reported in the literature in individuals with EVC2-related conditions. This variant is also known as c.3057+1del. Algorithms developed to predict the effect of sequence changes on RNA splicing suggest that this variant may disrupt the consensus splice site, but this prediction has not been confirmed by published transcriptional studies. For these reasons, this variant has been classified as Pathogenic.

Literature cited by the submitters: PubMed 17024374; PubMed 19810119; PubMed 19876929.

NM_147127.5(EVC2):c.3057+1del

Gene: EVC2 (EvC ciliary complex subunit 2; minus strand). Cytogenetic location: 4p16.2.
Variant type: Deletion.
Coding change: c.3057+1del on transcript NM_147127.5 (MANE Select); the canonical splice donor site of the intron after coding-DNA position 3057, one base deleted (G; older notation c.3057+1delG).
Molecular consequence: splice donor variant.
Genome position (GRCh38, 1-based): chr4:5,584,622, C deleted on the plus strand (G on the coding strand, the reverse complement: EVC2 is on the minus strand); the first of 3 consecutive C bases (chr4:5,584,622-5,584,624); deleting any one gives the same sequence. VCF-style (leftmost placement, unchanged base first): chr4-5584621-AC-A. GRCh37 (hg19) VCF-style: chr4-5586348-AC-A.
Other names: c.2817+1del (NM_001166136.2).
Identifiers: ClinVar variation 1367031 (VCV001367031.9), dbSNP rs772639262, ClinGen allele CA2834474.